The following is an entry in ClinVar:

ClinVar aggregate classification (germline): Uncertain significance. Review status: criteria provided, multiple submitters, no conflicts (2 of 4 stars). 2 submissions from 2 submitters: Uncertain significance (2). Last evaluated 2023-06-13.

Conditions:
Inborn genetic diseases. Identifiers: MedGen C0950123, MeSH D030342.

Submissions (2):

GeneDx
Classification: Uncertain significance. Last evaluated: 2023-06-13. Review status: criteria provided, single submitter. Criteria: GeneDx Variant Classification Process June 2021. Collection method: clinical testing. Allele origin: germline. Affected: yes.
Comment: Not observed at significant frequency in large population cohorts (gnomAD); In silico analysis supports that this missense variant does not alter protein structure/function; Has not been previously published as pathogenic or benign to our knowledge

Ambry Genetics
Classification: Uncertain significance for Inborn genetic diseases. Last evaluated: 2021-06-24. Review status: criteria provided, single submitter. Criteria: Ambry Variant Classification Scheme 2023. Collection method: clinical testing. Allele origin: germline.
Comment: The c.733G>C (p.V245L) alteration is located in exon 7 (coding exon 7) of the EIF2S3 gene. This alteration results from a G to C substitution at nucleotide position 733, causing the valine (V) at amino acid position 245 to be replaced by a leucine (L). Based on data from the Genome Aggregation Database (gnomAD), the EIF2S3 c.733G>C alteration was not observed, with coverage at this position. This amino acid position is highly conserved in available vertebrate species. This missense alteration is located in a region that has a low rate of benign missense variation (Lek, 2016; Firth, 2009). The p.V245L alteration is predicted to be tolerated by in silico analysis. Based on insufficient or conflicting evidence, the clinical significance of this alteration remains unclear.

NM_001415.4(EIF2S3):c.733G>C (p.Val245Leu)

Gene: EIF2S3 (eukaryotic translation initiation factor 2 subunit gamma; plus strand). Cytogenetic location: Xp22.11.
Variant type: single nucleotide variant.
Coding change: c.733G>C on transcript NM_001415.4 (MANE Select); coding-DNA position 733, G replaced by C.
Protein change: p.Val245Leu; replaces valine 245 with leucine.
Molecular consequence: missense variant.
Genome position (GRCh38, 1-based): chrX:24,064,296, G>C. VCF-style: chrX-24064296-G-C. GRCh37 (hg19) VCF-style: chrX-24082413-G-C.
Other names: short protein forms V245L.
Identifiers: ClinVar variation 1878681 (VCV001878681.5), dbSNP rs2518576405, ClinGen allele CA412595781.